The following is an entry in ClinVar:

NM_001130987.2(DYSF):c.4026C>T (p.Asn1342=)

Gene: DYSF (dysferlin; plus strand). Cytogenetic location: 2p13.2.
Variant type: single nucleotide variant.
Coding change: c.4026C>T on transcript NM_001130987.2 (MANE Select); coding-DNA position 4026, C replaced by T.
Protein change: p.Asn1342=; no amino-acid change (asparagine 1342 retained).
Molecular consequence: synonymous variant.
Genome position (GRCh38, 1-based): chr2:71,611,313, C>T. VCF-style: chr2-71611313-C-T. GRCh37 (hg19) VCF-style: chr2-71838443-C-T.
Other names: p.Asn1324=; c.3975C>T, p.Asn1325= (NM_001130455.2, NM_001130983.2); c.3930C>T, p.Asn1310= (NM_001130976.2, NM_001130977.2); c.3972C>T, p.Asn1324= (NM_001130978.2, NM_003494.4); c.4065C>T, p.Asn1355= (NM_001130979.2); c.4023C>T, p.Asn1341= (NM_001130980.2, NM_001130981.2); c.4068C>T, p.Asn1356= (NM_001130982.2); c.3933C>T, p.Asn1311= (NM_001130984.2, NM_001130986.2); and 1 more.
Identifiers: ClinVar variation 94314 (VCV000094314.35), dbSNP rs11558179, ClinGen allele CA147751.

ClinVar aggregate classification (germline): Benign/Likely benign. Review status: criteria provided, multiple submitters, no conflicts (2 of 4 stars). 14 submissions from 14 submitters: Benign (9); Likely benign (1). 4 of the submissions do not count toward it. Last evaluated 2026-02-04.

Conditions:
Miyoshi muscular dystrophy 1 (MMD1). Identifiers: Orphanet 45448, MedGen C4551973, MONDO:0024545, OMIM 254130.
Neuromuscular disease caused by qualitative or quantitative defects of dysferlin. Also called: Dysferlinopathy; Qualitative or quantitative defects of dysferlin. Identifiers: Orphanet 207073, MedGen C2931687, MONDO:0016145.
Autosomal recessive limb-girdle muscular dystrophy type 2B (LGMDR2). Also called: MUSCULAR DYSTROPHY, LIMB-GIRDLE, TYPE 3; Limb-Girdle Muscular Dystrophy Type 2B (LGMD2B); Limb-girdle muscular dystrophy, type 2B; MUSCULAR DYSTROPHY, LIMB-GIRDLE, AUTOSOMAL RECESSIVE 2. Identifiers: Orphanet 268, MedGen C1850889, MONDO:0009676, OMIM 253601.

Allele frequency attached by ClinVar (database versions not stated): ExAC 0.09399; gnomAD 0.17730 and 0.18595; 1000 Genomes Project 0.18950; gnomAD exomes 0.06402 and 0.08674; TOPMed 0.19419; ESP Exome Variant Server 0.19583; 1000 Genomes Project 30x 0.19785.
gnomAD v4.1: 121,393 of 1,613,634 alleles (7.5%); highest among the groups gnomAD compares: African/African-American, 48%; 11,620 homozygotes.

Submissions (14):

Labcorp Genetics (formerly Invitae), Labcorp
Classification: Benign for Neuromuscular disease caused by qualitative or quantitative defects of dysferlin. Last evaluated: 2026-02-04. Review status: criteria provided, single submitter. Criteria: Invitae Variant Classification Sherloc (09022015). Collection method: clinical testing. Allele origin: germline.

Blueprint Genetics
Classification: Likely benign. Last evaluated: 2024-11-26. Review status: criteria provided, single submitter. Criteria: ACMG Guidelines, 2015. Collection method: clinical testing. Allele origin: germline.

Genome-Nilou Lab
Classification: Benign for Miyoshi muscular dystrophy 1. Last evaluated: 2021-06-10. Review status: criteria provided, single submitter. Criteria: ACMG Guidelines, 2015. Collection method: clinical testing. Allele origin: germline. Affected: no.

Illumina Laboratory Services, Illumina
Classification: Benign for Qualitative or quantitative defects of dysferlin. Last evaluated: 2018-01-13. Review status: criteria provided, single submitter. Criteria: ICSL Variant Classification Criteria 13 December 2019. Collection method: clinical testing. Allele origin: germline.
Comment: This variant was observed in the ICSL laboratory as part of a predisposition screen in an ostensibly healthy population. It had not been previously curated by ICSL or reported in the Human Gene Mutation Database (HGMD: prior to June 1st, 2018), and was therefore a candidate for classification through an automated scoring system. Utilizing variant allele frequency, disease prevalence and penetrance estimates, and inheritance mode, an automated score was calculated to assess if this variant is too frequent to cause the disease. Based on the score and internal cut-off values, a variant classified as benign is not then subjected to further curation. The score for this variant resulted in a classification of benign for this disease.

Mayo Clinic Laboratories, Mayo Clinic
Classification: Benign. Last evaluated: 2017-07-25. Review status: criteria provided, single submitter. Criteria: ACMG Guidelines, 2015. Collection method: clinical testing. Allele origin: germline. Observed: 220 variant alleles.

GeneDx
Classification: Benign. Last evaluated: 2016-01-06. Review status: criteria provided, single submitter. Criteria: GeneDx Variant Classification (06012015). Collection method: clinical testing. Allele origin: germline. Affected: yes.
Comment: This variant is considered likely benign or benign based on one or more of the following criteria: it is a conservative change, it occurs at a poorly conserved position in the protein, it is predicted to be benign by multiple in silico algorithms, and/or has population frequency not consistent with disease.

Laboratory for Molecular Medicine, Mass General Brigham Personalized Medicine
Classification: Benign. Last evaluated: 2015-01-13. Review status: criteria provided, single submitter. Criteria: LMM Criteria. Collection method: clinical testing. Allele origin: germline. Observed: 4 variant alleles.
Comment: p.Asn1342Asn in exon 37 of DYSF: This variant is not expected to have clinical s ignificance because it does not alter an amino acid residue and is not located w ithin the splice consensus sequence. It has been identified in 47.0% (2072/4406) of African American chromosomes from a broad population by the NHLBI Exome Sequ encing Project (dbSNP rs11558179).

Eurofins Ntd Llc (ga)
Classification: Benign. Last evaluated: 2013-11-22. Review status: criteria provided, single submitter. Criteria: EGL Classification Definitions 2015. Collection method: clinical testing. Allele origin: germline. Observed: 34 variant alleles, 29 heterozygotes, 5 homozygotes.

Breakthrough Genomics
Classification: Benign. Review status: criteria provided, single submitter. Criteria: ACMG Guidelines, 2015. Collection method: not provided. Allele origin: germline. Inheritance: Autosomal recessive inheritance. Affected: yes.

PreventionGenetics, part of Exact Sciences
Classification: Benign. Review status: criteria provided, single submitter. Criteria: ACMG Guidelines, 2015. Collection method: clinical testing. Allele origin: germline.

Natera, Inc.
Classification: Benign for Limb-girdle muscular dystrophy type 2B. Last evaluated: 2020-09-16. Review status: no assertion criteria provided. Collection method: clinical testing. Allele origin: germline. Not counted in ClinVar's aggregate classification.

Clinical Genetics, Academic Medical Center
Classification: Benign. Review status: no assertion criteria provided. Collection method: clinical testing. Allele origin: germline. Affected: yes. Study: VKGL Data-share Consensus. Not counted in ClinVar's aggregate classification.

Diagnostic Laboratory, Department of Genetics, University Medical Center Groningen
Classification: Benign. Review status: no assertion criteria provided. Collection method: clinical testing. Allele origin: germline. Affected: yes. Study: VKGL Data-share Consensus. Not counted in ClinVar's aggregate classification.

Genetic Services Laboratory, University of Chicago
Classification: Likely benign for AllHighlyPenetrant. Review status: no assertion criteria provided. Collection method: clinical testing. Allele origin: germline. Inheritance: Autosomal recessive inheritance. Not counted in ClinVar's aggregate classification.
Comment: Likely benign based on allele frequency in 1000 Genomes Project or ESP global frequency and its presence in a patient with a rare or unrelated disease phenotype. NOT Sanger confirmed.